The following is an entry in ClinVar:

NM_000094.4(COL7A1):c.4801G>A (p.Gly1601Ser)

Gene: COL7A1 (collagen type VII alpha 1 chain; minus strand). Cytogenetic location: 3p21.31.
Variant type: single nucleotide variant.
Coding change: c.4801G>A on transcript NM_000094.4 (MANE Select); coding-DNA position 4801, G replaced by A.
Protein change: p.Gly1601Ser; replaces glycine 1601 with serine.
Molecular consequence: missense variant.
Genome position (GRCh38, 1-based): chr3:48,581,465, C>T on the plus strand (G>A on the coding strand, the complement: COL7A1 is on the minus strand). VCF-style: chr3-48581465-C-T. GRCh37 (hg19) VCF-style: chr3-48618898-C-T.
Other names: short protein forms G1601S.
Identifiers: ClinVar variation 5004722 (VCV005004722.1).

ClinVar aggregate classification (germline): Uncertain significance (1 of 4 stars; one submission).

Conditions:
Recessive dystrophic epidermolysis bullosa (RDEB). Also called: Epidermolysis Bullosa Distrophica Autosomal Recessive (RDEB); Recessive DEB (RDEB); DYSTROPHIC EPIDERMOLYSIS BULLOSA, AUTOSOMAL RECESSIVE; EPIDERMOLYSIS BULLOSA DYSTROPHICA, HALLOPEAU-SIEMENS TYPE; severe generalized recessive dystrophic epidermolysis bullosa; epidermolysis bullosa dystrophica, autosomal recessive. Identifiers: Orphanet 79408, Orphanet 79409, MedGen C0079474, MONDO:0009179, OMIM 226600.

gnomAD v4.1: 1 of 1,614,076 alleles (0.000062%); highest among the groups gnomAD compares: Non-Finnish European, 0.000085%; no homozygotes.

Submission:

Myriad Genetics, Inc.
Classification: Uncertain significance for Recessive dystrophic epidermolysis bullosa. Last evaluated: 2026-06-10. Review status: criteria provided, single submitter. Criteria: Myriad Autosomal Dominant, Autosomal Recessive and X-Linked Classification Criteria (2023). Collection method: clinical testing. Allele origin: unknown.
Comment: NM_000094.3(COL7A1):c.4801G>A(G1601S) is a missense variant classified as a variant of uncertain significance in the context of dystrophic epidermolysis bullosa. G1601S has not been observed in cases with relevant disease. Relevant functional assessments of this variant are not available in the literature. G1601S has not been observed in referenced population frequency databases. In summary, there is insufficient evidence to classify NM_000094.3(COL7A1):c.4801G>A(G1601S) as pathogenic or benign. Please note: this variant was assessed in the context of healthy population screening.